The following is an entry in ClinVar:

NM_001854.4(COL11A1):c.2920C>A (p.Pro974Thr)

Gene: COL11A1 (collagen type XI alpha 1 chain; minus strand). Cytogenetic location: 1p21.1.
Variant type: single nucleotide variant.
Coding change: c.2920C>A on transcript NM_001854.4 (MANE Select); coding-DNA position 2920, C replaced by A.
Protein change: p.Pro974Thr; replaces proline 974 with threonine.
Molecular consequence: missense variant. On other transcripts: non-coding transcript variant (1).
Genome position (GRCh38, 1-based): chr1:102,962,757, G>T on the plus strand (C>A on the coding strand, the complement: COL11A1 is on the minus strand). VCF-style: chr1-102962757-G-T. GRCh37 (hg19) VCF-style: chr1-103428313-G-T.
Other names: c.2572C>A, p.Pro858Thr (NM_001168249.1, NM_080630.4); c.2803C>A, p.Pro935Thr (NM_001190709.2); c.2956C>A, p.Pro986Thr (NM_080629.3); c.2920C>A (NM_001854.3); short protein forms P986T, P858T, P935T, P974T.
Identifiers: ClinVar variation 2053921 (VCV002053921.18), dbSNP rs780750875, ClinGen allele CA974209.
Genomic context (GRCh38, chr1:102,962,757, plus strand): 5'-CAGGAGGGCCAGGAGGGCCAGGATGCCCACGTTCCCCTATTGGACCAGTCTCACCGGTTG[G>T]TCCCTAAATTAGATAAGCAAAATCACTTTAGATTGCTCTTTTATTTTTGGCAAAGATAAC-3'
Protein context (NP_001845.3, residues 964-984): GPGGVVGPQG[Pro974Thr]TGETGPIGER

ClinVar aggregate classification (germline): Conflicting classifications of pathogenicity. Review status: criteria provided, conflicting classifications (1 of 4 stars). 3 submissions from 3 submitters: Uncertain significance (1); Benign (1); Likely benign (1). Last evaluated 2026-09-08.

Conditions:
COL11A1-related disorder. Also called: COL11A1-related condition; COL11A1-related disorders.

Allele frequency attached by ClinVar (database versions not stated): gnomAD 0.00002.
gnomAD v4.1: 66 of 1,613,836 alleles (0.0041%); highest among the groups gnomAD compares: Non-Finnish European, 0.0052%; no homozygotes.

Submissions (3):

PreventionGenetics, part of Exact Sciences
Classification: Uncertain significance for COL11A1-related condition. Last evaluated: 2026-09-08. Review status: criteria provided, single submitter. Criteria: ACMG Guidelines, 2015. Collection method: clinical testing. Allele origin: germline.
Comment: The COL11A1 c.2920C>A variant is predicted to result in the amino acid substitution p.Pro974Thr. To our knowledge, this variant has not been reported in the literature. This variant is reported in 0.0099% of alleles in individuals of Ashkenazi Jewish descent in gnomAD. However, in gnomAD v4 (available only on GRCh38), this variant is reported in 6 alleles globally, which is likely too common for a highly penetrant pathogenic variant in autosomal dominant disorder. At this time, the clinical significance of this variant is uncertain due to the absence of conclusive functional and genetic evidence.

Labcorp Genetics (formerly Invitae), Labcorp
Classification: Benign. Last evaluated: 2025-12-15. Review status: criteria provided, single submitter. Criteria: Invitae Variant Classification Sherloc (09022015). Collection method: clinical testing. Allele origin: germline.

CeGaT Center for Human Genetics Tuebingen
Classification: Likely benign. Last evaluated: 2025-01-01. Review status: criteria provided, single submitter. Criteria: CeGaT Center For Human Genetics Tuebingen Variant Classification Criteria Version 2. Collection method: clinical testing. Allele origin: germline. Affected: yes. Observed: 1 variant allele.
Comment: COL11A1: PM2, PP3, BS2